The following is an entry in ClinVar:

ClinVar aggregate classification (germline): Uncertain significance. Review status: criteria provided, multiple submitters, no conflicts (2 of 4 stars). 2 submissions from 2 submitters: Uncertain significance (2). Last evaluated 2024-02-06.

Conditions:
Multiple congenital anomalies-hypotonia-seizures syndrome 3 (MCAHS3). Also called: GLYCOSYLPHOSPHATIDYLINOSITOL BIOSYNTHESIS DEFECT 7. Identifiers: Orphanet 369837, MedGen C3809356, MONDO:0014165, OMIM 615398.

Allele frequency attached by ClinVar (database versions not stated): TOPMed 0.00005; gnomAD 0.00009; gnomAD exomes 0.00013; ExAC 0.00021; 1000 Genomes Project 0.00060; 1000 Genomes Project 30x 0.00062.
gnomAD v4.1: 202 of 1,612,926 alleles (0.013%); highest among the groups gnomAD compares: South Asian, 0.13%; 1 homozygote.

Submissions (2):

GeneDx
Classification: Uncertain significance. Last evaluated: 2024-02-06. Review status: criteria provided, single submitter. Criteria: GeneDx Variant Classification Process June 2021. Collection method: clinical testing. Allele origin: germline. Affected: yes.
Comment: In silico analysis supports that this missense variant has a deleterious effect on protein structure/function; Has not been previously published as pathogenic or benign to our knowledge

Labcorp Genetics (formerly Invitae), Labcorp
Classification: Uncertain significance for Multiple congenital anomalies-hypotonia-seizures syndrome 3. Last evaluated: 2022-09-06. Review status: criteria provided, single submitter. Criteria: Invitae Variant Classification Sherloc (09022015). Collection method: clinical testing. Allele origin: germline.
Comment: In summary, the available evidence is currently insufficient to determine the role of this variant in disease. Therefore, it has been classified as a Variant of Uncertain Significance. Algorithms developed to predict the effect of missense changes on protein structure and function are either unavailable or do not agree on the potential impact of this missense change (SIFT: "Deleterious"; PolyPhen-2: "Probably Damaging"; Align-GVGD: "Class C0"). This variant has not been reported in the literature in individuals affected with PIGT-related conditions. This variant is present in population databases (rs559812381, gnomAD 0.1%). This sequence change replaces arginine, which is basic and polar, with cysteine, which is neutral and slightly polar, at codon 223 of the PIGT protein (p.Arg223Cys).

NM_015937.6(PIGT):c.667C>T (p.Arg223Cys)

Gene: PIGT (phosphatidylinositol glycan anchor biosynthesis class T; plus strand). Cytogenetic location: 20q13.12.
Variant type: single nucleotide variant.
Coding change: c.667C>T on transcript NM_015937.6 (MANE Select); coding-DNA position 667, C replaced by T.
Protein change: p.Arg223Cys; replaces arginine 223 with cysteine.
Molecular consequence: missense variant. On other transcripts: non-coding transcript variant (5).
Genome position (GRCh38, 1-based): chr20:45,419,576, C>T. VCF-style: chr20-45419576-C-T. GRCh37 (hg19) VCF-style: chr20-44048216-C-T.
Other names: c.499C>T, p.Arg167Cys (NM_001184728.3); c.667C>T, p.Arg223Cys (NM_001184729.3); c.361C>T, p.Arg121Cys (NM_001184730.3); c.667C>T (NM_015937.5); short protein forms R121C, R167C, R223C.
Identifiers: ClinVar variation 2061880 (VCV002061880.3), dbSNP rs559812381, ClinGen allele CA9877992.